The following is an entry in ClinVar:

NM_001267550.2(TTN):c.67833C>T (p.Tyr22611=)

Genes: TTN (titin; minus strand), TTN-AS1 (TTN antisense RNA 1; plus strand), LOC126806423 (CDK7 strongly-dependent group 2 enhancer GRCh37_chr2:179443309-179444508; plus strand). Cytogenetic location: 2q31.2.
Variant type: single nucleotide variant.
Coding change: c.67833C>T on transcript NM_001267550.2 (MANE Select); coding-DNA position 67833, C replaced by T.
Protein change: p.Tyr22611=; no amino-acid change (tyrosine 22611 retained).
Molecular consequence: synonymous variant.
Genome position (GRCh38, 1-based): chr2:178,579,197, G>A on the plus strand (C>T on the coding strand, the complement: TTN is on the minus strand). VCF-style: chr2-178579197-G-A. GRCh37 (hg19) VCF-style: chr2-179443924-G-A.
Other names: p.Tyr20970=; c.41013C>T, p.Tyr13671= (NM_133432.3); c.41214C>T, p.Tyr13738= (NM_133437.4); c.62910C>T, p.Tyr20970= (NM_001256850.1); c.40638C>T, p.Tyr13546= (NM_003319.4); c.60129C>T, p.Tyr20043= (NM_133378.4).
Identifiers: ClinVar variation 178198 (VCV000178198.66), dbSNP rs375538420, ClinGen allele CA181748.

ClinVar aggregate classification (germline): Conflicting classifications of pathogenicity. Review status: criteria provided, conflicting classifications (1 of 4 stars). 18 submissions from 14 submitters: Uncertain significance (3); Benign (3); Likely benign (9). 3 of the submissions do not count toward it. Last evaluated 2026-05-11.

Conditions:
Cardiovascular phenotype. Identifiers: MedGen CN230736.
TTN-related disorder. Also called: TTN-related disorders; TTN-related condition; TTN-related disease.
Dilated cardiomyopathy 1G (CMD1G). Identifiers: Orphanet 154, MedGen C1858763, MONDO:0011400, OMIM 604145.
Autosomal recessive limb-girdle muscular dystrophy type 2J (LGMDR10). Also called: Limb-girdle muscular dystrophy, type 2J; MUSCULAR DYSTROPHY, LIMB-GIRDLE, AUTOSOMAL RECESSIVE 10. Identifiers: Orphanet 140922, MedGen C1837342, MONDO:0012127, OMIM 608807.
Myopathy, myofibrillar, 9, with early respiratory failure (MFM9). Also called: Hereditary myopathy with early respiratory failure; MYOPATHY, PROXIMAL, WITH EARLY RESPIRATORY MUSCLE INVOLVEMENT; EDSTROM MYOPATHY; Myopathy, distal, with early respiratory failure, autosomal dominant. Identifiers: Orphanet 178464, Orphanet 34521, MedGen C1863599, MONDO:0011362, OMIM 603689.
Tibial muscular dystrophy (TMD). Also called: UDD MYOPATHY; Tibial muscular dystrophy, tardive; Udd Distal Myopathy – Tibial Muscular Dystrophy. Identifiers: Orphanet 609, MedGen C1838244, MONDO:0010870, OMIM 600334.
Early-onset myopathy with fatal cardiomyopathy (CMYO5). Also called: CONGENITAL MYOPATHY 5 WITH CARDIOMYOPATHY; Salih Myopathy. Identifiers: Orphanet 289377, MedGen C2673677, MONDO:0012714, OMIM 611705. Disease mechanism: loss of function.

Allele frequency attached by ClinVar (database versions not stated): ESP Exome Variant Server 0.00016; TOPMed 0.00024; gnomAD 0.00026 and 0.00027; gnomAD exomes 0.00037 and 0.00039; ExAC 0.00055.
gnomAD v4.1: 560 of 1,613,304 alleles (0.035%); highest among the groups gnomAD compares: Non-Finnish European, 0.043%; no homozygotes.

Submissions (18):

Women's Health and Genetics/Laboratory Corporation of America, LabCorp
Classification: Likely benign. Last evaluated: 2026-05-11. Review status: criteria provided, single submitter. Criteria: LabCorp Variant Classification Summary - May 2015. Collection method: clinical testing. Allele origin: germline.

Labcorp Genetics (formerly Invitae), Labcorp
Classification: Likely benign for Dilated cardiomyopathy 1G; Autosomal recessive limb-girdle muscular dystrophy type 2J. Last evaluated: 2026-01-26. Review status: criteria provided, single submitter. Criteria: Invitae Variant Classification Sherloc (09022015). Collection method: clinical testing. Allele origin: germline.

Mayo Clinic Laboratories, Mayo Clinic
Classification: Likely benign. Last evaluated: 2025-01-20. Review status: criteria provided, single submitter. Criteria: ACMG Guidelines, 2015. Collection method: clinical testing. Allele origin: germline. Observed: 2 variant alleles.
Comment: BP4, BP7

CeGaT Center for Human Genetics Tuebingen
Classification: Likely benign. Last evaluated: 2025-01-01. Review status: criteria provided, single submitter. Criteria: CeGaT Center For Human Genetics Tuebingen Variant Classification Criteria Version 2. Collection method: clinical testing. Allele origin: germline. Affected: yes. Observed: 3 variant alleles.
Comment: TTN: BP4, BP7

Blueprint Genetics
Classification: Likely benign. Last evaluated: 2024-11-06. Review status: criteria provided, single submitter. Criteria: ACMG Guidelines, 2015. Collection method: clinical testing. Allele origin: germline.

PreventionGenetics, part of Exact Sciences
Classification: Likely benign for TTN-related condition. Last evaluated: 2024-10-14. Review status: criteria provided, single submitter. Criteria: ACMG Guidelines, 2015. Collection method: clinical testing. Allele origin: germline.
Comment: This variant is classified as likely benign based on ACMG/AMP sequence variant interpretation guidelines (Richards et al. 2015 PMID: 25741868, with internal and published modifications).

ARUP Laboratories, Molecular Genetics and Genomics, ARUP Laboratories
Classification: Likely benign. Last evaluated: 2024-08-20. Review status: criteria provided, single submitter. Criteria: ARUP Molecular Germline Variant Investigation Process 2024. Collection method: clinical testing. Allele origin: germline.

Illumina Laboratory Services, Illumina
Classification: Uncertain significance for Autosomal recessive limb-girdle muscular dystrophy type 2J. Last evaluated: 2018-01-13. Review status: criteria provided, single submitter. Criteria: ICSL Variant Classification Criteria 13 December 2019. Collection method: clinical testing. Allele origin: germline.

Illumina Laboratory Services, Illumina
Classification: Uncertain significance for Early-onset myopathy with fatal cardiomyopathy. Last evaluated: 2018-01-13. Review status: criteria provided, single submitter. Criteria: ICSL Variant Classification Criteria 13 December 2019. Collection method: clinical testing. Allele origin: germline.

Illumina Laboratory Services, Illumina
Classification: Benign for Tibial muscular dystrophy. Last evaluated: 2018-01-13. Review status: criteria provided, single submitter. Criteria: ICSL Variant Classification Criteria 13 December 2019. Collection method: clinical testing. Allele origin: germline.
Comment: This variant was observed in the ICSL laboratory as part of a predisposition screen in an ostensibly healthy population. It had not been previously curated by ICSL or reported in the Human Gene Mutation Database (HGMD: prior to June 1st, 2018), and was therefore a candidate for classification through an automated scoring system. Utilizing variant allele frequency, disease prevalence and penetrance estimates, and inheritance mode, an automated score was calculated to assess if this variant is too frequent to cause the disease. Based on the score and internal cut-off values, a variant classified as benign is not then subjected to further curation. The score for this variant resulted in a classification of benign for this disease.

Illumina Laboratory Services, Illumina
Classification: Benign for Myopathy, myofibrillar, 9, with early respiratory failure. Last evaluated: 2018-01-13. Review status: criteria provided, single submitter. Criteria: ICSL Variant Classification Criteria 13 December 2019. Collection method: clinical testing. Allele origin: germline.
Comment: the same text as in the submission from Illumina Laboratory Services, Illumina above.

Illumina Laboratory Services, Illumina
Classification: Uncertain significance for Dilated cardiomyopathy 1G. Last evaluated: 2018-01-13. Review status: criteria provided, single submitter. Criteria: ICSL Variant Classification Criteria 13 December 2019. Collection method: clinical testing. Allele origin: germline.

Ambry Genetics
Classification: Likely benign for Cardiovascular phenotype. Last evaluated: 2016-02-12. Review status: criteria provided, single submitter. Criteria: Ambry Variant Classification Scheme 2023. Collection method: clinical testing. Allele origin: germline.

GeneDx
Classification: Benign. Last evaluated: 2015-10-26. Review status: criteria provided, single submitter. Criteria: GeneDx Variant Classification (06012015). Collection method: clinical testing. Allele origin: germline. Affected: yes.
Comment: This variant is considered likely benign or benign based on one or more of the following criteria: it is a conservative change, it occurs at a poorly conserved position in the protein, it is predicted to be benign by multiple in silico algorithms, and/or has population frequency not consistent with disease.

Laboratory for Molecular Medicine, Mass General Brigham Personalized Medicine
Classification: Likely benign. Last evaluated: 2012-03-19. Review status: criteria provided, single submitter. Criteria: LMM Criteria. Collection method: clinical testing. Allele origin: germline. Observed: 1 variant allele.
Comment: Tyr20043Tyr in exon 269 of TTN: This variant is not expected to have clinical si gnificance because it does not alter an amino acid residue and is not located wi thin the splice consensus sequence. It has been identified in 1/3184 African Ame rican chromosomes from a broad population by the NHLBI Exome Sequencing Project.

Clinical Genetics DNA and cytogenetics Diagnostics Lab, Erasmus MC, Erasmus Medical Center
Classification: Likely benign. Review status: no assertion criteria provided. Collection method: clinical testing. Allele origin: germline. Affected: yes. Study: VKGL Data-share Consensus. Not counted in ClinVar's aggregate classification.

Clinical Genetics, Academic Medical Center
Classification: Benign. Review status: no assertion criteria provided. Collection method: clinical testing. Allele origin: germline. Affected: yes. Study: VKGL Data-share Consensus. Not counted in ClinVar's aggregate classification.

Diagnostic Laboratory, Department of Genetics, University Medical Center Groningen
Classification: Likely benign. Review status: no assertion criteria provided. Collection method: clinical testing. Allele origin: germline. Affected: yes. Study: VKGL Data-share Consensus. Not counted in ClinVar's aggregate classification.